The following is an entry in ClinVar:

NM_000393.5(COL5A2):c.2981T>A (p.Ile994Asn)

Gene: COL5A2 (collagen type V alpha 2 chain; minus strand). Cytogenetic location: 2q32.2.
Variant type: single nucleotide variant.
Coding change: c.2981T>A on transcript NM_000393.5 (MANE Select); coding-DNA position 2981, T replaced by A.
Protein change: p.Ile994Asn; replaces isoleucine 994 with asparagine.
Molecular consequence: missense variant.
Genome position (GRCh38, 1-based): chr2:189,050,627, A>T on the plus strand (T>A on the coding strand, the complement: COL5A2 is on the minus strand). VCF-style: chr2-189050627-A-T. GRCh37 (hg19) VCF-style: chr2-189915353-A-T.
Other names: short protein forms I994N.
Identifiers: ClinVar variation 3778583 (VCV003778583.7).

ClinVar aggregate classification (germline): Uncertain significance (1 of 4 stars; one submission).

Submission:

CeGaT Center for Human Genetics Tuebingen
Classification: Uncertain significance. Last evaluated: 2025-03-01. Review status: criteria provided, single submitter. Criteria: CeGaT Center For Human Genetics Tuebingen Variant Classification Criteria Version 2. Collection method: clinical testing. Allele origin: germline. Affected: yes. Observed: 1 variant allele.
Comment: COL5A2: PM2, PP2, PP3